The following is an entry in ClinVar:

ClinVar aggregate classification (germline): Uncertain significance (1 of 4 stars; one submission).

Conditions:
Developmental and epileptic encephalopathy, 87. Also called: EPILEPTIC ENCEPHALOPATHY, EARLY INFANTILE, 87. Identifiers: MedGen C5394501, MONDO:0030059, OMIM 618916.

Submission:

Dasa
Classification: Uncertain significance for Developmental and epileptic encephalopathy, 87. Last evaluated: 2025-11-14. Review status: criteria provided, single submitter. Criteria: DASA Assertion Criteria. Collection method: clinical testing. Allele origin: germline.
Comment: NM_015076.5(CDK19):c.622G>T (p.Ala208Ser) is a missense variant that results in the substitution of alanine with serine. This variant is absent from population databases. The currently available literature and clinical evidence are not sufficient to establish a definitive association between this variant and the reported condition. Therefore, this variant is classified as a variant of uncertain significance.

NM_015076.5(CDK19):c.622G>T (p.Ala208Ser)

Gene: CDK19 (cyclin dependent kinase 19; minus strand). Cytogenetic location: 6q21.
Variant type: single nucleotide variant.
Coding change: c.622G>T on transcript NM_015076.5 (MANE Select); coding-DNA position 622, G replaced by T.
Protein change: p.Ala208Ser; replaces alanine 208 with serine.
Molecular consequence: missense variant. On other transcripts: intron variant (1).
Genome position (GRCh38, 1-based): chr6:110,632,054, C>A on the plus strand (G>T on the coding strand, the complement: CDK19 is on the minus strand). VCF-style: chr6-110632054-C-A. GRCh37 (hg19) VCF-style: chr6-110953257-C-A.
Other names: c.442G>T, p.Ala148Ser (NM_001300963.2, NM_001300964.2); c.515-4909G>T (NM_001300960.2); short protein forms A148S, A208S.
Identifiers: ClinVar variation 4881242 (VCV004881242.2).